The following is an entry in ClinVar:

ClinVar aggregate classification (germline): Uncertain significance (1 of 4 stars; one submission).

gnomAD v4.1: 22 of 1,613,426 alleles (0.0014%); highest among the groups gnomAD compares: East Asian, 0.022%; no homozygotes.

Submission:

Labcorp Genetics (formerly Invitae), Labcorp
Classification: Uncertain significance. Last evaluated: 2024-12-17. Review status: criteria provided, single submitter. Criteria: Invitae Variant Classification Sherloc (09022015). Collection method: clinical testing. Allele origin: germline.
Comment: This sequence change replaces arginine, which is basic and polar, with serine, which is neutral and polar, at codon 1303 of the CARMIL2 protein (p.Arg1303Ser). This variant is present in population databases (rs755621592, gnomAD 0.01%). This variant has not been reported in the literature in individuals affected with CARMIL2-related conditions. An algorithm developed to predict the effect of missense changes on protein structure and function (PolyPhen-2) suggests that this variant is likely to be tolerated. In summary, the available evidence is currently insufficient to determine the role of this variant in disease. Therefore, it has been classified as a Variant of Uncertain Significance.

NM_001013838.3(CARMIL2):c.3907C>A (p.Arg1303Ser)

Gene: CARMIL2 (capping protein regulator and myosin 1 linker 2; plus strand). Cytogenetic location: 16q22.1.
Variant type: single nucleotide variant.
Coding change: c.3907C>A on transcript NM_001013838.3 (MANE Select); coding-DNA position 3907, C replaced by A.
Protein change: p.Arg1303Ser; replaces arginine 1303 with serine.
Molecular consequence: missense variant.
Genome position (GRCh38, 1-based): chr16:67,656,516, C>A. VCF-style: chr16-67656516-C-A. GRCh37 (hg19) VCF-style: chr16-67690419-C-A.
Other names: c.3799C>A, p.Arg1267Ser (NM_001317026.3); short protein forms R1303S, R1267S.
Identifiers: ClinVar variation 3673829 (VCV003673829.2).